The following is an entry in ClinVar:

ClinVar aggregate classification (germline): Uncertain significance. Review status: criteria provided, multiple submitters, no conflicts (2 of 4 stars). 2 submissions from 2 submitters: Uncertain significance (2). Last evaluated 2024-04-29.

Conditions:
Joubert syndrome 5 (JBTS5). Identifiers: Orphanet 2318, MedGen C1857780, MONDO:0012432, OMIM 610188.
Bardet-Biedl syndrome 14 (BBS14). Identifiers: Orphanet 110, MedGen C2673874, MONDO:0014442, OMIM 615991.
Senior-Loken syndrome 6 (SLSN6). Identifiers: Orphanet 3156, MedGen C1857779, MONDO:0012433, OMIM 610189.
Leber congenital amaurosis 10 (LCA10). Identifiers: Orphanet 65, MedGen C1857821, MONDO:0012723, OMIM 611755.
Meckel syndrome, type 4 (MKS4). Also called: MECKEL-GRUBER SYNDROME, TYPE 4. Identifiers: Orphanet 564, MedGen C1970161, MONDO:0012626, OMIM 611134.

gnomAD v4.1: 1 of 1,609,912 alleles (0.000062%); highest among the groups gnomAD compares: Non-Finnish European, 0.000085%; no homozygotes.

Submissions (2):

Fulgent Genetics
Classification: Uncertain significance for Joubert syndrome 5; Senior-Loken syndrome 6; Meckel syndrome, type 4; Leber congenital amaurosis 10; Bardet-Biedl syndrome 14. Last evaluated: 2024-04-29. Review status: criteria provided, single submitter. Criteria: ACMG Guidelines, 2015. Collection method: clinical testing. Allele origin: germline.

GeneDx
Classification: Uncertain significance. Last evaluated: 2023-12-13. Review status: criteria provided, single submitter. Criteria: GeneDx Variant Classification Process June 2021. Collection method: clinical testing. Allele origin: germline. Affected: yes.
Comment: Not observed at significant frequency in large population cohorts (gnomAD); In silico analysis supports that this missense variant does not alter protein structure/function; Has not been previously published as pathogenic or benign to our knowledge

NM_025114.4(CEP290):c.598G>A (p.Glu200Lys)

Gene: CEP290 (centrosomal protein 290; minus strand). Cytogenetic location: 12q21.32.
Variant type: single nucleotide variant.
Coding change: c.598G>A on transcript NM_025114.4 (MANE Select); coding-DNA position 598, G replaced by A.
Protein change: p.Glu200Lys; replaces glutamic acid 200 with lysine.
Molecular consequence: missense variant.
Genome position (GRCh38, 1-based): chr12:88,130,339, C>T on the plus strand (G>A on the coding strand, the complement: CEP290 is on the minus strand). VCF-style: chr12-88130339-C-T. GRCh37 (hg19) VCF-style: chr12-88524116-C-T.
Other names: short protein forms E200K.
Identifiers: ClinVar variation 3365535 (VCV003365535.2).